The following is an entry in ClinVar:

NM_181882.3(PRX):c.2312C>T (p.Ala771Val)

Gene: PRX (periaxin; minus strand). Cytogenetic location: 19q13.2.
Variant type: single nucleotide variant.
Coding change: c.2312C>T on transcript NM_181882.3 (MANE Select); coding-DNA position 2312, C replaced by T.
Protein change: p.Ala771Val; replaces alanine 771 with valine.
Molecular consequence: missense variant. On other transcripts: 3 prime UTR variant (1).
Genome position (GRCh38, 1-based): chr19:40,396,040, G>A on the plus strand (C>T on the coding strand, the complement: PRX is on the minus strand). VCF-style: chr19-40396040-G-A. GRCh37 (hg19) VCF-style: chr19-40901947-G-A.
Other names: c.2597C>T, p.Ala866Val (NM_001411127.1); c.*2517C>T (NM_020956.2); short protein forms A866V, A771V.
Identifiers: ClinVar variation 2069119 (VCV002069119.4), dbSNP rs2079431316, ClinGen allele CA405896556.

ClinVar aggregate classification (germline): Uncertain significance (1 of 4 stars; one submission).

Conditions:
Charcot-Marie-Tooth disease type 4. Also called: Charcot-Marie-Tooth, Type 4; Charcot-Marie-Tooth disease, type IV. Identifiers: Orphanet 64749, MedGen C4082197, MONDO:0018995.

Allele frequency attached by ClinVar (database versions not stated): TOPMed below 0.00001.

Submission:

Labcorp Genetics (formerly Invitae), Labcorp
Classification: Uncertain significance for Charcot-Marie-Tooth disease type 4. Last evaluated: 2022-01-01. Review status: criteria provided, single submitter. Criteria: Invitae Variant Classification Sherloc (09022015). Collection method: clinical testing. Allele origin: germline.
Comment: Algorithms developed to predict the effect of sequence changes on RNA splicing suggest that this variant may create or strengthen a splice site. Algorithms developed to predict the effect of missense changes on protein structure and function output the following: SIFT: "Tolerated"; PolyPhen-2: "Possibly Damaging"; Align-GVGD: "Class C0". The valine amino acid residue is found in multiple mammalian species, which suggests that this missense change does not adversely affect protein function. This variant has not been reported in the literature in individuals affected with PRX-related conditions. This variant is not present in population databases (gnomAD no frequency). This sequence change replaces alanine, which is neutral and non-polar, with valine, which is neutral and non-polar, at codon 771 of the PRX protein (p.Ala771Val). In summary, the available evidence is currently insufficient to determine the role of this variant in disease. Therefore, it has been classified as a Variant of Uncertain Significance.